The following is an entry in ClinVar:

NM_000478.6(ALPL):c.650T>C (p.Val217Ala)

Gene: ALPL (alkaline phosphatase, biomineralization associated; plus strand). Cytogenetic location: 1p36.12.
Variant type: single nucleotide variant.
Coding change: c.650T>C on transcript NM_000478.6 (MANE Select); coding-DNA position 650, T replaced by C.
Protein change: p.Val217Ala; replaces valine 217 with alanine.
Molecular consequence: missense variant.
Genome position (GRCh38, 1-based): chr1:21,568,105, T>C. VCF-style: chr1-21568105-T-C. GRCh37 (hg19) VCF-style: chr1-21894598-T-C.
Other names: c.650T>C (NM_000478.5); c.485T>C, p.Val162Ala (NM_001127501.4); c.419T>C, p.Val140Ala (NM_001177520.3); c.650T>C, p.Val217Ala (NM_001369803.2, NM_001369804.2, NM_001369805.2); short protein forms V140A, V162A, V217A.
Identifiers: ClinVar variation 1312292 (VCV001312292.8), dbSNP rs777699004, ClinGen allele CA666567.

ClinVar aggregate classification (germline): Uncertain significance. Review status: criteria provided, multiple submitters, no conflicts (2 of 4 stars). 6 submissions from 6 submitters: Uncertain significance (6). Last evaluated 2026-09-01.

Conditions:
Hypophosphatasia. Also called: Phosphoethanol-aminuria. Identifiers: Orphanet 436, MedGen C0020630, MeSH D007014, MONDO:0018570.
Adult hypophosphatasia. Identifiers: Orphanet 247676, Orphanet 436, MedGen C0268413, MONDO:1010154, OMIM 146300, MONDO:0007798.
Childhood hypophosphatasia. Identifiers: Orphanet 247667, Orphanet 436, MedGen C0220743, MONDO:1010168, OMIM 241510, MONDO:0009428.
Infantile hypophosphatasia. Identifiers: Orphanet 247651, Orphanet 436, MedGen C0268412, MONDO:1010169, OMIM 241500, MONDO:0009427.

Allele frequency attached by ClinVar (database versions not stated): gnomAD exomes below 0.00001 and 0.00001; gnomAD 0.00001; ExAC 0.00001.
gnomAD v4.1: 17 of 1,613,798 alleles (0.0011%); highest among the groups gnomAD compares: Non-Finnish European, 0.0014%; no homozygotes.

Submissions (6):

Genomenon, Inc
Classification: Uncertain significance for Hypophosphatasia. Last evaluated: 2026-09-01. Review status: criteria provided, single submitter. Criteria: Genomenon Sequence Variant Interpretation Standards - Updated. Collection method: curation. Allele origin: germline. Affected: yes.
Comment: ALPL p.Val217Ala (c.650T>C) is a missense variant that changes the amino acid at codon 217 from Valine to Alanine. This variant has been observed in at least one proband affected with an ALPL-related disorder (PMID:32762706). It is absent or not present at a significant frequency in gnomAD. In silico models predict that this variant is possibly or probably damaging. In conclusion, we classify ALPL p.Val217Ala (c.650T>C) as a variant of uncertain significance.

JKU Lab, Dept of Paediatrics, Johannes Kepler University
Classification: Uncertain significance for Hypophosphatasia. Last evaluated: 2025-12-11. Review status: criteria provided, single submitter. Criteria: ACMG Guidelines, 2015. Collection method: curation, in vitro. Allele origin: germline, not applicable. Affected: yes. Functional consequence: function uncertain.
Comment: This missense variant is present in GnomAD 4.1 (f = 0.0001356 in the European, non-Finnish population) and affects a highly conserved amino acid, not in the active site domain. The variant is predicted to affect protein function (REVEL score: 0.97). Splice-prediction algorithms predict no effect on splicing. In vitro functional studies showed reduced ALP activity without a dominant negative effect. This variant has been reported in the literature in individuals affected by ALPL-related conditions (PMID:32762706). The results of the functional testing and the applied ACMG criteria can be viewed at an online resource

Fulgent Genetics
Classification: Uncertain significance for Adult hypophosphatasia; Infantile hypophosphatasia; Childhood hypophosphatasia. Last evaluated: 2024-05-09. Review status: criteria provided, single submitter. Criteria: ACMG Guidelines, 2015. Collection method: clinical testing. Allele origin: germline.

Labcorp Genetics (formerly Invitae), Labcorp
Classification: Uncertain significance. Last evaluated: 2024-04-30. Review status: criteria provided, single submitter. Criteria: Invitae Variant Classification Sherloc (09022015). Collection method: clinical testing. Allele origin: germline.
Comment: This sequence change replaces valine, which is neutral and non-polar, with alanine, which is neutral and non-polar, at codon 217 of the ALPL protein (p.Val217Ala). This variant is present in population databases (rs777699004, gnomAD 0.0009%). This missense change has been observed in individual(s) with hypophosphatasia (Invitae). ClinVar contains an entry for this variant (Variation ID: 1312292). An algorithm developed to predict the effect of missense changes on protein structure and function (PolyPhen-2) suggests that this variant is likely to be disruptive. In summary, the available evidence is currently insufficient to determine the role of this variant in disease. Therefore, it has been classified as a Variant of Uncertain Significance.

Women's Health and Genetics/Laboratory Corporation of America, LabCorp
Classification: Uncertain significance. Last evaluated: 2023-06-29. Review status: criteria provided, single submitter. Criteria: LabCorp Variant Classification Summary - May 2015. Collection method: clinical testing. Allele origin: germline.
Comment: Variant summary: ALPL c.650T>C (p.Val217Ala) results in a non-conservative amino acid change to a highly conserved residue (HGMD) in the encoded protein sequence. Five of five in-silico tools predict a damaging effect of the variant on protein function. The variant allele was found at a frequency of 4e-06 in 251464 control chromosomes (gnomAD). The available data on variant occurrences in the general population are insufficient to allow any conclusion about variant significance. To our knowledge, no occurrence of c.650T>C in individuals affected with Hypophosphatasia, Autosomal Recessive and no experimental evidence demonstrating its impact on protein function have been reported. One submitter has cited a clinical-significance assessment for this variant to ClinVar after 2014 and has classified the variant as uncertain significance. Based on the evidence outlined above, the variant was classified as uncertain significance.

GeneDx
Classification: Uncertain significance. Last evaluated: 2019-09-12. Review status: criteria provided, single submitter. Criteria: GeneDx Variant Classification Process June 2021. Collection method: clinical testing. Allele origin: germline. Affected: yes.
Comment: Not observed at a significant frequency in large population cohorts (Lek et al., 2016); In silico analysis, which includes protein predictors and evolutionary conservation, supports a deleterious effect

Literature cited by the submitters: PubMed 32762706 (cited by Genomenon, Inc and JKU Lab, Dept of Paediatrics, Johannes Kepler University).